The following is an entry in ClinVar:

NM_004168.4:c.(1260_1261)_(1432_1433)del

Gene: SDHA (succinate dehydrogenase complex flavoprotein subunit A; plus strand).
Variant type: Deletion.
Other names: c.(1260_1261)_(1432_1433)del (NM_004168.4).
Identifiers: ClinVar variation 2576987 (VCV002576987.2).

ClinVar aggregate classification (germline): Likely pathogenic (1 of 4 stars; one submission).

Conditions:
Pheochromocytoma/paraganglioma syndrome 5. Also called: Paragangliomas 5; SDHA-Related Hereditary Paraganglioma-Pheochromocytoma Syndrome. Identifiers: Orphanet 29072, MedGen C3279992, MONDO:0013602, OMIM 614165.

Submission:

Center for Human Genetics and Genomic Medicine, Uniklinik Rwth Aachen
Classification: Likely pathogenic for Pheochromocytoma/paraganglioma syndrome 5. Last evaluated: 2023-08-22. Review status: criteria provided, single submitter. Criteria: ACMG Guidelines, 2015. Collection method: clinical testing. Allele origin: unknown. Inheritance: Autosomal dominant inheritance. Affected: yes. Observed: 1 heterozygote.
Comment: In control collectives (gnomAD), the variant is not listed so far (as of 22/08/2023). Deletions within SDHA have already been described in the literature as disease-causing (Dubard Gault et al. 2018). The deletion of exon 10 is an out-of-frame deletion, so it is highly likely that the resulting protein will be functionally impaired. The variant is considered a "likely pathogenic variant" at this time (ACMG criteria).